The following is an entry in ClinVar:

NM_024884.3(L2HGDH):c.159C>T (p.Ile53=)

Gene: L2HGDH (L-2-hydroxyglutarate dehydrogenase; minus strand). Cytogenetic location: 14q21.3.
Variant type: single nucleotide variant.
Coding change: c.159C>T on transcript NM_024884.3 (MANE Select); coding-DNA position 159, C replaced by T.
Protein change: p.Ile53=; no amino-acid change (isoleucine 53 retained).
Molecular consequence: synonymous variant.
Genome position (GRCh38, 1-based): chr14:50,302,999, G>A on the plus strand (C>T on the coding strand, the complement: L2HGDH is on the minus strand). VCF-style: chr14-50302999-G-A. GRCh37 (hg19) VCF-style: chr14-50769717-G-A.
Identifiers: ClinVar variation 158798 (VCV000158798.23), dbSNP rs2297995, ClinGen allele CA172452.

ClinVar aggregate classification (germline): Benign/Likely benign. Review status: criteria provided, multiple submitters, no conflicts (2 of 4 stars). 7 submissions from 7 submitters: Benign (4); Likely benign (2). 1 of the submissions does not count toward it. Last evaluated 2026-02-03.

Conditions:
L-2-hydroxyglutaric aciduria (L2HGA). Identifiers: Orphanet 79314, MedGen C1855995, MONDO:0009370, OMIM 236792, HP:0040144.

Allele frequency attached by ClinVar (database versions not stated): gnomAD exomes 0.56492; ExAC 0.57010; TOPMed 0.57014; ESP Exome Variant Server 0.57427; gnomAD 0.57826 and 0.57872; 1000 Genomes Project 30x 0.59588; 1000 Genomes Project 0.59665.
gnomAD v4.1: 914,064 of 1,607,172 alleles (57%); highest among the groups gnomAD compares: East Asian, 64%; 261,148 homozygotes.

Submissions (7):

Labcorp Genetics (formerly Invitae), Labcorp
Classification: Benign for L-2-hydroxyglutaric aciduria. Last evaluated: 2026-02-03. Review status: criteria provided, single submitter. Criteria: Invitae Variant Classification Sherloc (09022015). Collection method: clinical testing. Allele origin: germline.

Blueprint Genetics
Classification: Benign. Last evaluated: 2024-11-27. Review status: criteria provided, single submitter. Criteria: ACMG Guidelines, 2015. Collection method: clinical testing. Allele origin: germline.

Genome-Nilou Lab
Classification: Benign for L-2-hydroxyglutaric aciduria. Last evaluated: 2021-08-19. Review status: criteria provided, single submitter. Criteria: ACMG Guidelines, 2015. Collection method: clinical testing. Allele origin: germline. Affected: no.

Athena Diagnostics
Classification: Benign. Last evaluated: 2017-04-20. Review status: criteria provided, single submitter. Criteria: Athena Diagnostics Criteria. Collection method: clinical testing. Allele origin: germline.

Genetic Services Laboratory, University of Chicago
Classification: Likely benign. Last evaluated: 2013-10-31. Review status: criteria provided, single submitter. Criteria: ACMG Guidelines, 2007. Collection method: clinical testing. Allele origin: germline. Inheritance: Autosomal recessive inheritance.
Comment: Likely benign based on allele frequency in 1000 Genomes Project or ESP global frequency and its presence in a patient with a rare or unrelated disease phenotype. NOT Sanger confirmed

Breakthrough Genomics
Classification: Likely benign. Review status: criteria provided, single submitter. Criteria: ACMG Guidelines, 2015. Collection method: not provided. Allele origin: germline. Inheritance: Autosomal recessive inheritance. Affected: yes.

Mayo Clinic Laboratories, Mayo Clinic
Classification: Benign. Last evaluated: 2016-02-19. Review status: no assertion criteria provided. Collection method: clinical testing. Allele origin: unknown. Not counted in ClinVar's aggregate classification.